The following is an entry in ClinVar:

NM_001127198.5(TMC6):c.333_335del (p.Arg111del)

Gene: TMC6 (transmembrane channel like 6; minus strand). Cytogenetic location: 17q25.3.
Variant type: Deletion.
Coding change: c.333_335del on transcript NM_001127198.5 (MANE Select); coding-DNA positions 333 to 335, 3 bases deleted (GAG; older notation c.333_335delGAG).
Protein change: p.Arg111del; deletes arginine 111.
Molecular consequence: inframe deletion. On other transcripts: non-coding transcript variant (4).
Genome position (GRCh38, 1-based): chr17:78,125,821-78,125,823, CTC deleted on the plus strand (GAG on the coding strand, the reverse complement: TMC6 is on the minus strand); deleting any 3 consecutive bases within chr17:78,125,821-78,125,825 gives the same sequence; the c. name uses the placement nearest the transcript's 3' end. VCF-style (leftmost placement, unchanged base first): chr17-78125820-GCTC-G. GRCh37 (hg19) VCF-style: chr17-76121901-GCTC-G.
Other names: c.333_335del, p.Arg111del (NM_001321185.1, NM_001374593.1, NM_001374594.1 and 4 more transcripts); c.333_335delGAG (NM_007267.7); short protein forms R111del.
Identifiers: ClinVar variation 571066 (VCV000571066.2), dbSNP rs1568002050, ClinGen allele CA891844340.

ClinVar aggregate classification (germline): Uncertain significance (1 of 4 stars; one submission).

Conditions:
Epidermodysplasia verruciformis. Identifiers: Orphanet 302, MedGen C0014522, MONDO:0009176.

Submission:

Labcorp Genetics (formerly Invitae), Labcorp
Classification: Uncertain significance for Epidermodysplasia verruciformis. Last evaluated: 2019-06-28. Review status: criteria provided, single submitter. Criteria: Invitae Variant Classification Sherloc (09022015). Collection method: clinical testing. Allele origin: germline.
Comment: This variant, c.333_335delGAG, results in the deletion of 1 amino acid of the TMC6 protein (p.Arg111del), but otherwise preserves the integrity of the reading frame. This variant is not present in population databases (ExAC no frequency). This variant has not been reported in the literature in individuals with TMC6-related disease. Experimental studies and prediction algorithms are not available for this variant, and the functional significance of the deleted amino acid is currently unknown. In summary, the available evidence is currently insufficient to determine the role of this variant in disease. Therefore, it has been classified as a Variant of Uncertain Significance.